The following is an entry in ClinVar:

ClinVar aggregate classification (germline): Benign. Review status: criteria provided, multiple submitters, no conflicts (2 of 4 stars). 2 submissions from 2 submitters: Benign (2). Last evaluated 2017-04-27.

Conditions:
Myostatin-related muscle hypertrophy (MSLHP). Also called: MUSCLE HYPERTROPHY. Identifiers: Orphanet 275534, MedGen C2931112, MONDO:0013598, OMIM 614160.

Allele frequency attached by ClinVar (database versions not stated): gnomAD 0.02027 and 0.01892; 1000 Genomes Project 30x 0.02295; 1000 Genomes Project 0.02296; gnomAD exomes 0.00190; TOPMed 0.02125.
gnomAD v4.1: 4,301 of 862,534 alleles (0.5%); highest among the groups gnomAD compares: African/African-American, 6.5%; 131 homozygotes.

Submissions (2):

Illumina Laboratory Services, Illumina
Classification: Benign for Myostatin-related muscle hypertrophy. Last evaluated: 2017-04-27. Review status: criteria provided, single submitter. Criteria: ICSL Variant Classification Criteria 13 December 2019. Collection method: clinical testing. Allele origin: germline.
Comment: This variant was observed as part of a predisposition screen in an ostensibly healthy population. A literature search was performed for the gene, cDNA change, and amino acid change (where applicable). No publications were found based on this search. Allele frequency data from public databases was too high to be consistent with this variant causing disease. Therefore, this variant is classified as benign.

Breakthrough Genomics
Classification: Benign. Review status: criteria provided, single submitter. Criteria: ACMG Guidelines, 2015. Collection method: not provided. Allele origin: germline. Inheritance: Autosomal recessive inheritance. Affected: yes.

NM_005259.3(MSTN):c.*135G>A

Genes: C2orf88 (chromosome 2 open reading frame 88; plus strand), MSTN (myostatin; minus strand). Cytogenetic location: 2q32.2.
Variant type: single nucleotide variant.
Coding change: c.*135G>A on transcript NM_005259.3 (MANE Select); 135 bases downstream of the stop codon, G replaced by A.
Molecular consequence: 3 prime UTR variant.
Genome position (GRCh38, 1-based): chr2:190,057,123, C>T on the plus strand (G>A on the coding strand, the complement: MSTN is on the minus strand). VCF-style: chr2-190057123-C-T. GRCh37 (hg19) VCF-style: chr2-190921849-C-T.
Other names: c.*135G>A (LRG_200t1).
Identifiers: ClinVar variation 333231 (VCV000333231.6), dbSNP rs60490864, ClinGen allele CA10613361.
Genomic context (GRCh38, chr2:190,057,123, plus strand): 5'-TGTATGATTTGTTTGGATGGTTAAATGCCAACCATTGCATATATTCCCCCTTTTAGTTTA[C>T]ATACTGTAGCTTATGCTTAAGTGACTGTAGCATACTCTAGGCCTATAGCCTGTGGTACTT-3'